The following is an entry in ClinVar:

ClinVar aggregate classification (germline): Uncertain significance (1 of 4 stars; one submission).

Conditions:
Hereditary cancer-predisposing syndrome. Also called: Hereditary neoplastic syndrome; Neoplastic Syndromes, Hereditary; Tumor predisposition; Hereditary Cancer Syndrome. Identifiers: Orphanet 140162, MedGen C0027672, MeSH D009386, MONDO:0015356.

Submission:

Ambry Genetics
Classification: Uncertain significance for Hereditary cancer-predisposing syndrome. Last evaluated: 2022-07-05. Review status: criteria provided, single submitter. Criteria: Ambry Variant Classification Scheme 2023. Collection method: clinical testing. Allele origin: germline.
Comment: The c.7043_7054dup12 variant (also known as p.T2348_E2351dup), located in coding exon 47 of the ATM gene, results from an in-frame duplication of 12 nucleotides at nucleotide positions 7043 to 7054. This results in the duplication of 4 extra residues (TCLE) between codons 2348 and 2351. In addition, this alteration is predicted to be deleterious by in silico analysis (Choi Y et al. PLoS ONE. 2012; 7(10):e46688). Since supporting evidence is limited at this time, the clinical significance of this alteration remains unclear.

NM_000051.4(ATM):c.7043_7054dup (p.Glu2351_Asn2352insThrCysLeuGlu)

Genes: ATM (ATM serine/threonine kinase; plus strand), C11orf65 (chromosome 11 open reading frame 65; minus strand). Cytogenetic location: 11q22.3.
Variant type: Duplication.
Coding change: c.7043_7054dup on transcript NM_000051.4 (MANE Select); coding-DNA positions 7043 to 7054, 12 bases duplicated (CGTGCTTAGAAA).
Protein change: p.Glu2351_Asn2352insThrCysLeuGlu.
Molecular consequence: inframe insertion. On other transcripts: intron variant (2), inframe indel (1).
Genome position (GRCh38, 1-based): chr11:108,327,712-108,327,723, CGTGCTTAGAAA duplicated; duplicating any 12 consecutive bases within chr11:108,327,707-108,327,723 gives the same sequence; the c. name uses the placement nearest the transcript's 3' end. VCF-style (leftmost placement, unchanged base first): chr11-108327706-C-CAGAAACGTGCTT. GRCh37 (hg19) VCF-style: chr11-108198433-C-CAGAAACGTGCTT.
Other names: c.7043_7054dup, p.Glu2351_Asn2352insThrCysLeuGlu (NM_001351834.2); c.641-18647_641-18636dup (NM_001330368.2); c.*38+7502_*38+7513dup (NM_001351110.2); c.7043_7054dupCGTGCTTAGAAA (NM_000051.3).
Identifiers: ClinVar variation 1756849 (VCV001756849.2), dbSNP rs2547233054, ClinGen allele CA2580083178.